The following is an entry in ClinVar:

ClinVar aggregate classification (germline): Uncertain significance (1 of 4 stars; one submission).

Submission:

GeneDx
Classification: Uncertain significance. Last evaluated: 2023-05-17. Review status: criteria provided, single submitter. Criteria: GeneDx Variant Classification Process June 2021. Collection method: clinical testing. Allele origin: germline. Affected: yes.
Comment: Not observed at significant frequency in large population cohorts (gnomAD); In silico analysis supports that this missense variant does not alter protein structure/function; Has not been previously published as pathogenic or benign to our knowledge

NM_001136193.2(FASTKD2):c.1575C>G (p.Ile525Met)

Gene: FASTKD2 (FAST kinase domains 2; plus strand). Cytogenetic location: 2q33.3.
Variant type: single nucleotide variant.
Coding change: c.1575C>G on transcript NM_001136193.2 (MANE Select); coding-DNA position 1575, C replaced by G.
Protein change: p.Ile525Met; replaces isoleucine 525 with methionine.
Molecular consequence: missense variant.
Genome position (GRCh38, 1-based): chr2:206,786,880, C>G. VCF-style: chr2-206786880-C-G. GRCh37 (hg19) VCF-style: chr2-207651604-C-G.
Other names: c.1575C>G, p.Ile525Met (NM_001136194.2, NM_014929.4); short protein forms I525M.
Identifiers: ClinVar variation 2442569 (VCV002442569.2), dbSNP rs2468837559, ClinGen allele CA350082209.